The following is an entry in ClinVar:

ClinVar aggregate classification (germline): Benign/Likely benign. Review status: criteria provided, multiple submitters, no conflicts (2 of 4 stars). 14 submissions from 14 submitters: Benign (4); Likely benign (5). 5 of the submissions do not count toward it. Last evaluated 2026-01-11.

Conditions:
Hereditary cancer-predisposing syndrome. Also called: Neoplastic Syndromes, Hereditary; Tumor predisposition; Hereditary Cancer Syndrome; Hereditary neoplastic syndrome. Identifiers: Orphanet 140162, MedGen C0027672, MeSH D009386, MONDO:0015356.
Hereditary breast ovarian cancer syndrome. Also called: Breast and ovarian cancer; BRCA1- and BRCA2-Associated Hereditary Breast and Ovarian Cancer; Hereditary breast and ovarian cancer syndrome; Hereditary breast and/or ovarian cancer syndrome; Hereditary breast and ovarian cancer syndrome (HBOC); Hereditary breast and ovarian cancer. Identifiers: Orphanet 145, MedGen C0677776, MeSH D061325, MONDO:0003582. Disease mechanism: loss of function.
Breast-ovarian cancer, familial, susceptibility to, 2 (BROVCA2). Also called: BRCA2 Hereditary Breast and Ovarian Cancer. Identifiers: Orphanet 145, MedGen C2675520, MONDO:0012933, OMIM 612555. Disease mechanism: loss of function.

Allele frequency attached by ClinVar (database versions not stated): gnomAD 0.00002; gnomAD exomes 0.00002 and 0.00003; ExAC 0.00003; TOPMed 0.00001.

Submissions (14):

Labcorp Genetics (formerly Invitae), Labcorp
Classification: Benign for Hereditary breast ovarian cancer syndrome. Last evaluated: 2026-01-11. Review status: criteria provided, single submitter. Criteria: Invitae Variant Classification Sherloc (09022015). Collection method: clinical testing. Allele origin: germline.

Center for Genomic Medicine, Rigshospitalet, Copenhagen University Hospital
Classification: Likely benign. Last evaluated: 2025-03-04. Review status: criteria provided, single submitter. Criteria: ACMG Guidelines, 2015. Collection method: clinical testing. Allele origin: germline.

Blueprint Genetics
Classification: Likely benign. Last evaluated: 2022-09-29. Review status: criteria provided, single submitter. Criteria: ACMG Guidelines, 2015. Collection method: clinical testing. Allele origin: germline.

Women's Health and Genetics/Laboratory Corporation of America, LabCorp
Classification: Benign. Last evaluated: 2021-08-06. Review status: criteria provided, single submitter. Criteria: LabCorp Variant Classification Summary - May 2015. Collection method: clinical testing. Allele origin: germline.
Comment: Variant summary: BRCA2 c.794-11T>C alters a non-conserved nucleotide located close to a canonical splice site and therefore could affect mRNA splicing, leading to a significantly altered protein sequence. 4/4 computational tools predict no significant impact on normal splicing. This is supported by functional studies that have reported no impact on splicing (example, Houdayer_2012). The variant allele was found at a frequency of 2.9e-05 in 242116 control chromosomes. The available data on variant occurrences in the general population are insufficient to allow any conclusion about variant significance. c.794-11T>C has been reported in the literature as a VUS in settings of multigene panel testing of individuals affected with breast and/or colorectal cancer (example, Brandao_2011, Djursby_2020). These report(s) do not provide unequivocal conclusions about association of the variant with Hereditary Breast And Ovarian Cancer Syndrome. Multiple co-occurrences with other pathogenic variant(s) have been reported in the UMD database and observed at our laboratory (UMD - BRCA1 c.2649insGGCA, p.Thr884AlafsX20; BRCA1 c.5106delA, p.Lys1702AsnfsX4; Our laboratory - BRCA1 c.5266dupC, p.Gln1756fsX74), providing supporting evidence for a benign role. Six clinical diagnostic laboratories have submitted clinical-significance assessments for this variant to ClinVar after 2014 without evidence for independent evaluation. All laboratories classified the variant as benign (n=2)/likely benign (n=4). Based on the evidence outlined above, the variant was classified as benign.

ARUP Laboratories, Molecular Genetics and Genomics, ARUP Laboratories
Classification: Benign. Last evaluated: 2020-10-23. Review status: criteria provided, single submitter. Criteria: ARUP Molecular Germline Variant Investigation Process 2021. Collection method: clinical testing. Allele origin: germline.

Clinical Genetics DNA and cytogenetics Diagnostics Lab, Erasmus MC, Erasmus Medical Center
Classification: Likely benign for Breast-ovarian cancer, familial, susceptibility to, 2. Last evaluated: 2017-05-31. Review status: criteria provided, single submitter. Criteria: ACGS Guidelines, 2013. Collection method: clinical testing. Allele origin: germline. Affected: yes. Study: VKGL Data-share Consensus.

Color Diagnostics, LLC DBA Color Health
Classification: Likely benign for Hereditary cancer-predisposing syndrome. Last evaluated: 2017-03-16. Review status: criteria provided, single submitter. Criteria: ACMG Guidelines, 2015. Collection method: clinical testing. Allele origin: germline.

GeneDx
Classification: Benign. Last evaluated: 2015-06-25. Review status: criteria provided, single submitter. Criteria: GeneDx Variant Classification (06012015). Collection method: clinical testing. Allele origin: germline. Affected: yes.
Comment: This variant is considered likely benign or benign based on one or more of the following criteria: it is a conservative change, it occurs at a poorly conserved position in the protein, it is predicted to be benign by multiple in silico algorithms, and/or has population frequency not consistent with disease.

Genome Diagnostics Laboratory, University Medical Center Utrecht
Classification: Likely benign for Breast-ovarian cancer, familial, susceptibility to, 2. Last evaluated: 2015-06-15. Review status: criteria provided, single submitter. Criteria: ACGS Guidelines, 2013. Collection method: clinical testing. Allele origin: germline. Affected: yes. Study: VKGL Data-share Consensus.

Counsyl
Classification: Likely benign for Breast-ovarian cancer, familial, susceptibility to, 2. Last evaluated: 2017-05-03. Review status: no assertion criteria provided. Collection method: clinical testing. Allele origin: unknown. Not counted in ClinVar's aggregate classification.

Breast Cancer Information Core (BIC) (BRCA2)
Classification: Uncertain significance for Breast-ovarian cancer, familial 2. Last evaluated: 2004-02-20. Review status: no assertion criteria provided. Collection method: clinical testing. Allele origin: germline. Affected: yes. Observed: 3 variant alleles. Not counted in ClinVar's aggregate classification.

Clinical Genetics Laboratory, Department of Pathology, Netherlands Cancer Institute
Classification: Likely benign. Review status: no assertion criteria provided. Collection method: clinical testing. Allele origin: germline. Affected: yes. Study: VKGL Data-share Consensus. Not counted in ClinVar's aggregate classification.

Department of Pathology and Laboratory Medicine, Sinai Health System
Classification: Likely benign. Review status: no assertion criteria provided. Collection method: clinical testing. Allele origin: unknown. Affected: yes. Observed: 2 variant alleles. Study: The Canadian Open Genetics Repository (COGR). Not counted in ClinVar's aggregate classification.
Comment: The BRCA2, EXON10, c.794-11T>C, variant was identified in at least one breast and/or ovarian cancer family from a cohort of 1800 unrelated probands (Brandao 2011). The variant was also identified in the UMD (1X as an unclassified variant) and in the BIC database (3X with unknown clinical importance). The c.794-11T>C variant is located in the 3' splice region but does not affect the invariant -1 and -2 positions. However, positions -3 and -5 to -12 are part of the splicing consensus sequence and variants involving these positions sometimes affect splicing. One functional study using RT-PCR analysis demonstrated no effect of the variant on splicing (Brandao 2011). In addition, in silico or computational prediction software (SpliceSiteFinder, MaxEntScan, NNSPLICE, HumanSpliceFinder) does not predict a difference in splicing all four programs. In summary, based on the above information, the clinical significance of this variant cannot be determined with certainty at this time although we would lean towards a more benign role for this variant. This variant is classified as predicted benign.

Joint Genome Diagnostic Labs from Nijmegen and Maastricht, Radboudumc and MUMC+
Classification: Likely benign. Review status: no assertion criteria provided. Collection method: clinical testing. Allele origin: germline. Affected: yes. Study: VKGL Data-share Consensus. Not counted in ClinVar's aggregate classification.

Literature cited by the submitters: PubMed 22505045 (cited by Women's Health and Genetics/Laboratory Corporation of America, LabCorp and Counsyl); PubMed 21638052 (cited by Women's Health and Genetics/Laboratory Corporation of America, LabCorp and Counsyl); PubMed 33193653 (cited by Women's Health and Genetics/Laboratory Corporation of America, LabCorp).

NM_000059.4(BRCA2):c.794-11T>C

Gene: BRCA2 (BRCA2 DNA repair associated; plus strand). Cytogenetic location: 13q13.1.
Variant type: single nucleotide variant.
Coding change: c.794-11T>C on transcript NM_000059.4 (MANE Select); 11 bases into the intron before coding-DNA position 794, T replaced by C.
Molecular consequence: intron variant.
Genome position (GRCh38, 1-based): chr13:32,332,261, T>C. VCF-style: chr13-32332261-T-C. GRCh37 (hg19) VCF-style: chr13-32906398-T-C.
Other names: IVS9-11T>C.
Identifiers: ClinVar variation 52441 (VCV000052441.30), dbSNP rs81002822, ClinGen allele CA025347.
Genomic context (GRCh38, chr13:32,332,261, plus strand): 5'-AAGGTTGTGAGAATAATATAAATTATATGGCTTATAAAATATTAATGTGCTTCTGTTTTA[T>C]ACTTTAACAGGATTTGGAAAAACATCAGGGAATTCATTTAAAGTAAATAGCTGCAAAGAC-3'